The following is an entry in ClinVar:

NM_012250.6(RRAS2):c.71G>T (p.Gly24Val)

Genes: RRAS2 (RAS related 2; minus strand), LOC130005368 (ATAC-STARR-seq lymphoblastoid silent region 3172; plus strand). Cytogenetic location: 11p15.2.
Variant type: single nucleotide variant.
Coding change: c.71G>T on transcript NM_012250.6 (MANE Select); coding-DNA position 71, G replaced by T.
Protein change: p.Gly24Val; replaces glycine 24 with valine.
Molecular consequence: missense variant. On other transcripts: intron variant (1).
Genome position (GRCh38, 1-based): chr11:14,358,800, C>A on the plus strand (G>T on the coding strand, the complement: RRAS2 is on the minus strand). VCF-style: chr11-14358800-C-A. GRCh37 (hg19) VCF-style: chr11-14380346-C-A.
Other names: c.3+5591G>T (NM_001177314.2); short protein forms G24V.
Identifiers: ClinVar variation 2430316 (VCV002430316.5), dbSNP rs2493951813, ClinGen allele CA379862789.

ClinVar aggregate classification (germline): Conflicting classifications of pathogenicity. Review status: criteria provided, conflicting classifications (1 of 4 stars). 3 submissions from 3 submitters: Likely pathogenic (1); Uncertain significance (2). Last evaluated 2026-08-05.
ClinVar aggregate classification (somatic clinical impact): Tier II - Potential (1 of 4 stars; one submission).

Conditions:
Fetal anomalies with a likely genetic cause.
Embryonal rhabdomyosarcoma (ERMS). Also called: Botryoid rhabdomyosarcoma (type of ERMS); Spindle cell rhabdomyosarcomas (type of ERMS). Identifiers: Orphanet 99757, MedGen C0206656, MONDO:0009993, HP:0006743.

Submissions (4):

Genetics Laboratory, Great Ormond Street Hospital NHS Foundation Trust, North Thames Genomic Laboratory Hub
Classification: Likely pathogenic for Fetal anomalies with a likely genetic cause. Last evaluated: 2026-08-05. Review status: criteria provided, single submitter. Criteria: ACGS Best Practice Guidelines for Variant Classification in Rare Disease 2024 v1.2. Collection method: clinical testing. Allele origin: germline. Affected: yes.
Comment: PM2_moderate, PP3_supporting, PM1_moderate, PS2_supporting

Institute for Genomic Medicine (IGM) Clinical Laboratory, Nationwide Children's Hospital
Classification: Tier II - Potential for Embryonal rhabdomyosarcoma. Assertion type: diagnostic. Clinical significance: supports diagnosis. Last evaluated: 2024-12-13. Review status: criteria provided, single submitter. Criteria: AMP/ASCO/CAP Guidelines, 2017. Collection method: clinical testing. Allele origin: somatic. Affected: yes.
Comment: Variant has Tier II (potential) clinical significance as a diagnostic inclusion criterion in embryonal rhabdomyosarcoma, based on the following evidence: 1) Documented in one or more cancer databases (e.g., St. Jude Pecan, COSMIC, CIViC, OncoKB). 2) Diagnostic significance based on multiple small studies (Evidence Level C; PMID: 37942564).

Centre of Medical Genetics, University Hospital Muenster
Classification: Uncertain significance. Last evaluated: 2023-01-04. Review status: criteria provided, single submitter. Criteria: ACMG Guidelines, 2015. Collection method: clinical testing. Allele origin: unknown. Affected: yes. Observed: 1 variant allele, 1 heterozygote.
Comment: ACMG categories: PM2,PP3

Blueprint Genetics
Classification: Uncertain significance. Last evaluated: 2021-06-09. Review status: criteria provided, single submitter. Criteria: ACMG Guidelines, 2015. Collection method: clinical testing. Allele origin: germline.

Literature cited by the submitters: PubMed 37942564 (cited by Institute for Genomic Medicine (IGM) Clinical Laboratory, Nationwide Children's Hospital).